The following is an entry in ClinVar:

ClinVar aggregate classification (germline): Pathogenic/Likely pathogenic. Review status: criteria provided, multiple submitters, no conflicts (2 of 4 stars). 4 submissions from 4 submitters: Pathogenic (3); Likely pathogenic (1). Last evaluated 2024-12-24.

Conditions:
Cardiovascular phenotype. Identifiers: MedGen CN230736.
Hereditary cancer-predisposing syndrome. Also called: Hereditary Cancer Syndrome; Hereditary neoplastic syndrome; Tumor predisposition; Neoplastic Syndromes, Hereditary. Identifiers: Orphanet 140162, MedGen C0027672, MeSH D009386, MONDO:0015356.
Café-au-lait macules with pulmonary stenosis (WTSN). Also called: PULMONIC STENOSIS WITH CAFE-AU-LAIT SPOTS. Identifiers: MedGen C0553586, MONDO:0008672, OMIM 193520.
Neurofibromatosis-Noonan syndrome (NFNS). Also called: NEUROFIBROMATOSIS WITH NOONAN PHENOTYPE. Identifiers: Orphanet 638, MedGen C2931482, MONDO:0011035, OMIM 601321. Disease mechanism: loss of function.
Neurofibromatosis, type 1 (NF1). Also called: VON RECKLINGHAUSEN DISEASE; NEUROFIBROMATOSIS, TYPE I, SOMATIC; Peripheral type neurofibromatosis; Neurofibromatosis, type I. Identifiers: Orphanet 636, MedGen C0027831, MONDO:0018975, OMIM 162200. Disease mechanism: loss of function.

Submissions (4):

Labcorp Genetics (formerly Invitae), Labcorp
Classification: Pathogenic for Neurofibromatosis, type 1. Last evaluated: 2024-12-24. Review status: criteria provided, single submitter. Criteria: Invitae Variant Classification Sherloc (09022015). Collection method: clinical testing. Allele origin: germline.
Comment: This sequence change replaces valine, which is neutral and non-polar, with phenylalanine, which is neutral and non-polar, at codon 1182 of the NF1 protein (p.Val1182Phe). This variant is not present in population databases (gnomAD no frequency). This missense change has been observed in individual(s) with clinical features of neurofibromatosis type 1 (internal data). In at least one individual the variant was observed to be de novo. ClinVar contains an entry for this variant (Variation ID: 457654). Invitae Evidence Modeling of protein sequence and biophysical properties (such as structural, functional, and spatial information, amino acid conservation, physicochemical variation, residue mobility, and thermodynamic stability) indicates that this missense variant is expected to disrupt NF1 protein function with a positive predictive value of 95%. For these reasons, this variant has been classified as Pathogenic.

GeneDx
Classification: Pathogenic. Last evaluated: 2022-12-06. Review status: criteria provided, single submitter. Criteria: GeneDx Variant Classification Process June 2021. Collection method: clinical testing. Allele origin: germline. Affected: yes.
Comment: Identified in individuals with suspected or clinically diagnosed neurofibromatosis type 1 referred for genetic testing at GeneDx and in published literature (Yao et al., 2019; Hazan et al., 2021); Not observed in large population cohorts (gnomAD); In silico analysis supports that this missense variant has a deleterious effect on protein structure/function; This variant is associated with the following publications: (PMID: 31717729, 33443663, 2121369, 25486365, 22807134, 26582918, 23656349)

Ambry Genetics
Classification: Likely pathogenic for Cardiovascular phenotype; Hereditary cancer-predisposing syndrome. Last evaluated: 2022-11-23. Review status: criteria provided, single submitter. Criteria: Ambry Variant Classification Scheme 2023. Collection method: clinical testing. Allele origin: germline.
Comment: The p.V1182F variant (also known as c.3544G>T), located in coding exon 27 of the NF1 gene, results from a G to T substitution at nucleotide position 3544. The valine at codon 1182 is replaced by phenylalanine, an amino acid with highly similar properties. This variant was reported as de novo in an individual with clinical features of neurofibromatosis 1 (NF1) (Yao R et al. Genes (Basel), 2019 10;10:). It was also detected in the heterozygous state in an individual who met National Institutes of Health criteria for NF1 (Hazan F et al. Neurol Sci, 2021 May;42:2045-2057). This amino acid position is highly conserved in available vertebrate species. In addition, this alteration is predicted to be deleterious by in silico analysis. Based on the majority of available evidence to date, this variant is likely to be pathogenic.

Genome-Nilou Lab
Classification: Pathogenic for Neurofibromatosis, type 1. Last evaluated: 2022-03-15. Review status: criteria provided, single submitter. Criteria: ACMG Guidelines, 2015. Collection method: clinical testing. Allele origin: germline. Affected: no.

NM_001042492.3(NF1):c.3544G>T (p.Val1182Phe)

Gene: NF1 (neurofibromin 1; plus strand). Cytogenetic location: 17q11.2.
Variant type: single nucleotide variant.
Coding change: c.3544G>T on transcript NM_001042492.3 (MANE Select); coding-DNA position 3544, G replaced by T.
Protein change: p.Val1182Phe; replaces valine 1182 with phenylalanine.
Molecular consequence: missense variant.
Genome position (GRCh38, 1-based): chr17:31,233,049, G>T. VCF-style: chr17-31233049-G-T. GRCh37 (hg19) VCF-style: chr17-29560067-G-T.
Other names: c.3544G>T, p.Val1182Phe (NM_000267.4); short protein forms V1182F.
Identifiers: ClinVar variation 457654 (VCV000457654.19), dbSNP rs1555615027, ClinGen allele CA398989966.